The following is an entry in ClinVar:

ClinVar aggregate classification (germline): Likely benign. Review status: criteria provided, multiple submitters, no conflicts (2 of 4 stars). 3 submissions from 3 submitters: Likely benign (3). Last evaluated 2024-07-01.

Conditions:
Familial meningioma. Also called: Meningioma, familial, susceptibility to. Identifiers: Orphanet 263662, MedGen C3551915, MONDO:0011789, OMIM 607174.
Hereditary cancer-predisposing syndrome. Also called: Tumor predisposition; Hereditary Cancer Syndrome; Hereditary neoplastic syndrome; Neoplastic Syndromes, Hereditary. Identifiers: Orphanet 140162, MedGen C0027672, MeSH D009386, MONDO:0015356.

Submissions (3):

CeGaT Center for Human Genetics Tuebingen
Classification: Likely benign. Last evaluated: 2024-07-01. Review status: criteria provided, single submitter. Criteria: CeGaT Center For Human Genetics Tuebingen Variant Classification Criteria Version 2. Collection method: clinical testing. Allele origin: germline. Affected: yes. Observed: 1 variant allele.
Comment: SMARCE1: PM2:Supporting, BP4, BP7

Labcorp Genetics (formerly Invitae), Labcorp
Classification: Likely benign for Familial meningioma. Last evaluated: 2024-05-15. Review status: criteria provided, single submitter. Criteria: Invitae Variant Classification Sherloc (09022015). Collection method: clinical testing. Allele origin: germline.

Ambry Genetics
Classification: Likely benign for Hereditary cancer-predisposing syndrome. Last evaluated: 2019-06-27. Review status: criteria provided, single submitter. Criteria: Ambry Variant Classification Scheme 2023. Collection method: clinical testing. Allele origin: germline.

NM_003079.5(SMARCE1):c.1164C>T (p.Gly388=)

Gene: SMARCE1 (SWI/SNF related BAF chromatin remodeling complex subunit E1; minus strand). Cytogenetic location: 17q21.2.
Variant type: single nucleotide variant.
Coding change: c.1164C>T on transcript NM_003079.5 (MANE Select); coding-DNA position 1164, C replaced by T.
Protein change: p.Gly388=; no amino-acid change (glycine 388 retained).
Molecular consequence: synonymous variant.
Genome position (GRCh38, 1-based): chr17:40,628,857, G>A on the plus strand (C>T on the coding strand, the complement: SMARCE1 is on the minus strand). VCF-style: chr17-40628857-G-A. GRCh37 (hg19) VCF-style: chr17-38785109-G-A.
Identifiers: ClinVar variation 578097 (VCV000578097.31), dbSNP rs573977743, ClinGen allele CA499962825.